The following is an entry in ClinVar:

NM_018292.5(QRSL1):c.22G>C (p.Glu8Gln)

Genes: QRSL1 (glutaminyl-tRNA amidotransferase subunit QRSL1; plus strand), RTN4IP1 (reticulon 4 interacting protein 1; minus strand), LOC129996910 (ATAC-STARR-seq lymphoblastoid active region 24892; plus strand). Cytogenetic location: 6q21.
Variant type: single nucleotide variant.
Coding change: c.22G>C on transcript NM_018292.5 (MANE Select); coding-DNA position 22, G replaced by C.
Protein change: p.Glu8Gln; replaces glutamic acid 8 with glutamine.
Molecular consequence: missense variant. On other transcripts: intron variant (1).
Genome position (GRCh38, 1-based): chr6:106,629,703, G>C. VCF-style: chr6-106629703-G-C. GRCh37 (hg19) VCF-style: chr6-107077578-G-C.
Other names: c.-27+624C>G (NM_001318746.1); short protein forms E8Q.
Identifiers: ClinVar variation 2192433 (VCV002192433.5), dbSNP rs376227484, ClinGen allele CA3944643.

ClinVar aggregate classification (germline): Uncertain significance. Review status: criteria provided, multiple submitters, no conflicts (2 of 4 stars). 3 submissions from 3 submitters: Uncertain significance (3). Last evaluated 2025-03-03.

Conditions:
Inborn genetic diseases. Identifiers: MedGen C0950123, MeSH D030342.

Allele frequency attached by ClinVar (database versions not stated): TOPMed 0.00002; ESP Exome Variant Server 0.00008; ExAC 0.00012.
gnomAD v4.1: 84 of 1,606,164 alleles (0.0052%); highest among the groups gnomAD compares: Non-Finnish European, 0.0065%; 1 homozygote.

Submissions (3):

Labcorp Genetics (formerly Invitae), Labcorp
Classification: Uncertain significance. Last evaluated: 2025-03-03. Review status: criteria provided, single submitter. Criteria: Invitae Variant Classification Sherloc (09022015). Collection method: clinical testing. Allele origin: germline.
Comment: This sequence change replaces glutamic acid, which is acidic and polar, with glutamine, which is neutral and polar, at codon 8 of the QRSL1 protein (p.Glu8Gln). This variant is present in population databases (rs376227484, gnomAD 0.01%). This variant has not been reported in the literature in individuals affected with QRSL1-related conditions. ClinVar contains an entry for this variant (Variation ID: 2192433). An algorithm developed to predict the effect of missense changes on protein structure and function (PolyPhen-2) suggests that this variant is likely to be tolerated. In summary, the available evidence is currently insufficient to determine the role of this variant in disease. Therefore, it has been classified as a Variant of Uncertain Significance.

Ambry Genetics
Classification: Uncertain significance for Inborn genetic diseases. Last evaluated: 2024-11-25. Review status: criteria provided, single submitter. Criteria: Ambry Variant Classification Scheme 2023. Collection method: clinical testing. Allele origin: germline.

Blueprint Genetics
Classification: Uncertain significance. Last evaluated: 2024-09-26. Review status: criteria provided, single submitter. Criteria: ACMG Guidelines, 2015. Collection method: clinical testing. Allele origin: germline.